The following is an entry in ClinVar:

NM_005911.6(MAT2A):c.952-20C>G

Genes: GGCX (gamma-glutamyl carboxylase; minus strand), MAT2A (methionine adenosyltransferase 2A; plus strand). Cytogenetic location: 2p11.2.
Variant type: single nucleotide variant.
Coding change: c.952-20C>G on transcript NM_005911.6 (MANE Select); 20 bases into the intron before coding-DNA position 952, C replaced by G.
Molecular consequence: intron variant.
Genome position (GRCh38, 1-based): chr2:85,542,881, C>G. VCF-style: chr2-85542881-C-G. GRCh37 (hg19) VCF-style: chr2-85770004-C-G.
Identifiers: ClinVar variation 390150 (VCV000390150.1), dbSNP rs151049338, ClinGen allele CA16604320.

ClinVar aggregate classification (germline): Likely benign (1 of 4 stars; one submission).

Allele frequency attached by ClinVar (database versions not stated): gnomAD 0.00003.
gnomAD v4.1: 3 of 1,606,034 alleles (0.00019%); highest among the groups gnomAD compares: African/African-American, 0.0013%; no homozygotes.

Submission:

GeneDx
Classification: Likely benign. Last evaluated: 2016-10-20. Review status: criteria provided, single submitter. Criteria: GeneDx Variant Classification (06012015). Collection method: clinical testing. Allele origin: germline. Affected: yes.
Comment: This variant is considered likely benign or benign based on one or more of the following criteria: it is a conservative change, it occurs at a poorly conserved position in the protein, it is predicted to be benign by multiple in silico algorithms, and/or has population frequency not consistent with disease.